The following is an entry in ClinVar:

ClinVar aggregate classification (germline): Uncertain significance (1 of 4 stars; one submission).

Conditions:
Epidermolysis bullosa simplex 5C, with pyloric atresia (EBS5C). Also called: PLEC-Related Epidermolysis Bullosa with Pyloric Atresia; Epidermolysis bullosa simplex with pyloric atresia; PLEC1-Related Epidermolysis Bullosa with Pyloric Atresia. Identifiers: Orphanet 158684, MedGen C2677349, MONDO:0012807, OMIM 612138.
Epidermolysis bullosa simplex 5B, with muscular dystrophy (EBS5B). Also called: Epidermolysis bullosa simplex with muscular dystrophy; EPIDERMOLYSIS BULLOSA SIMPLEX AND LIMB-GIRDLE MUSCULAR DYSTROPHY. Identifiers: Orphanet 257, MedGen C2931072, MONDO:0009181, OMIM 226670.
Epidermolysis bullosa simplex, Ogna type (EBS5A). Also called: Pidermolysis bullosa simplex 5A, Ogna type; EPIDERMOLYSIS BULLOSA SIMPLEX 5A, OGNA TYPE. Identifiers: Orphanet 79401, MedGen C0432317, MONDO:0007555, OMIM 131950.
Autosomal recessive limb-girdle muscular dystrophy type 2Q (LGMDR17). Also called: MUSCULAR DYSTROPHY, LIMB-GIRDLE, AUTOSOMAL RECESSIVE 17. Identifiers: Orphanet 254361, MedGen C3150989, MONDO:0013390, OMIM 613723.
Epidermolysis bullosa simplex with nail dystrophy (EBS5D). Identifiers: MedGen C4225309, MONDO:0014661, OMIM 616487.

Allele frequency attached by ClinVar (database versions not stated): gnomAD exomes below 0.00001.
gnomAD v4.1: 5 of 1,611,226 alleles (0.00031%); highest among the groups gnomAD compares: Non-Finnish European, 0.00042%; no homozygotes.

Submission:

Labcorp Genetics (formerly Invitae), Labcorp
Classification: Uncertain significance for Autosomal recessive limb-girdle muscular dystrophy type 2Q; Epidermolysis bullosa simplex, Ogna type; Epidermolysis bullosa simplex with nail dystrophy; Epidermolysis bullosa simplex 5C, with pyloric atresia; Epidermolysis bullosa simplex 5B, with muscular dystrophy. Last evaluated: 2022-02-05. Review status: criteria provided, single submitter. Criteria: Invitae Variant Classification Sherloc (09022015). Collection method: clinical testing. Allele origin: germline.
Comment: In summary, the available evidence is currently insufficient to determine the role of this variant in disease. Therefore, it has been classified as a Variant of Uncertain Significance. Algorithms developed to predict the effect of missense changes on protein structure and function are either unavailable or do not agree on the potential impact of this missense change (SIFT: "Deleterious"; PolyPhen-2: "Not Available"; Align-GVGD: "Class C0"). ClinVar contains an entry for this variant (Variation ID: 949817). This variant has not been reported in the literature in individuals affected with PLEC-related conditions. This variant is not present in population databases (gnomAD no frequency). This sequence change replaces glycine, which is neutral and non-polar, with glutamic acid, which is acidic and polar, at codon 375 of the PLEC protein (p.Gly375Glu).

NM_201384.3(PLEC):c.1043G>A (p.Gly348Glu)

Gene: PLEC (plectin; minus strand). Cytogenetic location: 8q24.3.
Variant type: single nucleotide variant.
Coding change: c.1043G>A on transcript NM_201384.3 (MANE Select); coding-DNA position 1043, G replaced by A.
Protein change: p.Gly348Glu; replaces glycine 348 with glutamic acid.
Molecular consequence: missense variant.
Genome position (GRCh38, 1-based): chr8:143,934,444, C>T on the plus strand (G>A on the coding strand, the complement: PLEC is on the minus strand). VCF-style: chr8-143934444-C-T. GRCh37 (hg19) VCF-style: chr8-145008612-C-T.
Other names: c.1124G>A, p.Gly375Glu (NM_000445.5); c.1001G>A, p.Gly334Glu (NM_201378.4); c.977G>A, p.Gly326Glu (NM_201379.3); c.1454G>A, p.Gly485Glu (NM_201380.4); c.947G>A, p.Gly316Glu (NM_201381.3); c.1043G>A, p.Gly348Glu (NM_201382.4); c.1055G>A, p.Gly352Glu (NM_201383.3); short protein forms G326E, G348E, G375E, G352E, G485E, G316E, G334E.
Identifiers: ClinVar variation 949817 (VCV000949817.7), dbSNP rs899201636, ClinGen allele CA372585146.
Genomic context (GRCh38, chr8:143,934,444, plus strand): 5'-TTCTCCACATCCAGCGGGTGGTAGCCAGGGGGCACCTTGAGCTGGCCTGCTTGCACCGCT[C>T]CCTGTAGACAGGGGCCACACTCAGGCCCTATAGGCAGGGGGCAGGGGGTGGGGCGCTGGG-3'
Protein context (NP_958786.1, residues 338-358): RSKGIYQSLE[Gly348Glu]AVQAGQLKVP